The following is an entry in ClinVar:

ClinVar aggregate classification (germline): Conflicting classifications of pathogenicity. Review status: criteria provided, conflicting classifications (1 of 4 stars). 17 submissions from 16 submitters: Uncertain significance (1); Benign (3); Likely benign (11). 2 of the submissions do not count toward it. Last evaluated 2026-09-01.

Conditions:
Hereditary cancer-predisposing syndrome. Also called: Neoplastic Syndromes, Hereditary; Hereditary neoplastic syndrome; Hereditary Cancer Syndrome; Tumor predisposition. Identifiers: Orphanet 140162, MedGen C0027672, MeSH D009386, MONDO:0015356.
Holoprosencephaly 7 (HPE7). Identifiers: Orphanet 2162, MedGen C1835820, MONDO:0012562, OMIM 610828.
Gorlin syndrome. Also called: Basal cell nevus syndrome; Nevoid Basal Cell Carcinoma Syndrome. Identifiers: Orphanet 377, MedGen C0004779, MONDO:0007187.

Allele frequency attached by ClinVar (database versions not stated): TOPMed 0.00060; gnomAD exomes 0.00093 and 0.00053; 1000 Genomes Project 0.00040; gnomAD 0.00058 and 0.00057; 1000 Genomes Project 30x 0.00031; ExAC 0.00058; ESP Exome Variant Server 0.00062.
gnomAD v4.1: 1,457 of 1,614,088 alleles (0.09%); highest among the groups gnomAD compares: Non-Finnish European, 0.11%; 1 homozygote.

Submissions (17):

CeGaT Center for Human Genetics Tuebingen
Classification: Likely benign. Last evaluated: 2026-09-01. Review status: criteria provided, single submitter. Criteria: CeGaT Center For Human Genetics Tuebingen Variant Classification Criteria Version 2. Collection method: clinical testing. Allele origin: germline. Affected: yes. Observed: 7 variant alleles.
Comment: PTCH1: PM5, PP3, BS1

Labcorp Genetics (formerly Invitae), Labcorp
Classification: Benign for Gorlin syndrome. Last evaluated: 2026-02-03. Review status: criteria provided, single submitter. Criteria: Invitae Variant Classification Sherloc (09022015). Collection method: clinical testing. Allele origin: germline.

Dasa
Classification: Likely benign. Last evaluated: 2025-12-01. Review status: criteria provided, single submitter. Criteria: DASA Assertion Criteria. Collection method: clinical testing. Allele origin: germline.
Comment: NM_000264.5(PTCH1):c.3487G>A (p.Gly1163Ser) is a missense variant that results in the substitution of glycine with serine. The affected residue or protein region has prior evidence supporting clinical relevance. This variant has been recurrently observed in individuals with related phenotype (PMID: 25260786; PMID: 29575684). Multiple computational predictions support a deleterious effect on the gene or gene product. Based on the available data, this variant is classified as likely benign.

Center for Genomic Medicine, Rigshospitalet, Copenhagen University Hospital
Classification: Likely benign. Last evaluated: 2025-03-04. Review status: criteria provided, single submitter. Criteria: ACMG Guidelines, 2015. Collection method: clinical testing. Allele origin: germline.

Blueprint Genetics
Classification: Likely benign. Last evaluated: 2024-11-20. Review status: criteria provided, single submitter. Criteria: ACMG Guidelines, 2015. Collection method: clinical testing. Allele origin: germline.

ARUP Laboratories, Molecular Genetics and Genomics, ARUP Laboratories
Classification: Likely benign. Last evaluated: 2023-05-03. Review status: criteria provided, single submitter. Criteria: ARUP Molecular Germline Variant Investigation Process 2024. Collection method: clinical testing. Allele origin: germline.

Ambry Genetics
Classification: Likely benign for Hereditary cancer-predisposing syndrome. Last evaluated: 2022-03-28. Review status: criteria provided, single submitter. Criteria: Ambry Variant Classification Scheme 2023. Collection method: clinical testing. Allele origin: germline.

Institute for Clinical Genetics, University Hospital TU Dresden, University Hospital TU Dresden
Classification: Uncertain significance. Last evaluated: 2021-11-03. Review status: criteria provided, single submitter. Criteria: ACMG Guidelines, 2015. Collection method: clinical testing. Allele origin: germline.

Genetic Services Laboratory, University of Chicago
Classification: Likely benign. Last evaluated: 2021-07-06. Review status: criteria provided, single submitter. Criteria: ACMG Guidelines, 2015. Collection method: clinical testing. Allele origin: germline. Affected: no.

Sema4
Classification: Likely benign for Hereditary cancer-predisposing syndrome. Last evaluated: 2021-03-18. Review status: criteria provided, single submitter. Criteria: Sema4 Curation Guidelines. Collection method: curation. Allele origin: germline.

GeneDx
Classification: Likely benign. Last evaluated: 2018-03-08. Review status: criteria provided, single submitter. Criteria: GeneDx Variant Classification (06012015). Collection method: clinical testing. Allele origin: germline. Affected: yes.
Comment: This variant is considered likely benign or benign based on one or more of the following criteria: it is a conservative change, it occurs at a poorly conserved position in the protein, it is predicted to be benign by multiple in silico algorithms, and/or has population frequency not consistent with disease.

Illumina Laboratory Services, Illumina
Classification: Likely benign for Holoprosencephaly 7. Last evaluated: 2018-01-13. Review status: criteria provided, single submitter. Criteria: ICSL Variant Classification Criteria 13 December 2019. Collection method: clinical testing. Allele origin: germline.
Comment: This variant was observed in the ICSL laboratory as part of a predisposition screen in an ostensibly healthy population. It had not been previously curated by ICSL or reported in the Human Gene Mutation Database (HGMD: prior to June 1st, 2018), and was therefore a candidate for classification through an automated scoring system. Utilizing variant allele frequency, disease prevalence and penetrance estimates, and inheritance mode, an automated score was calculated to assess if this variant is too frequent to cause the disease. Based on the score and internal cut-off values, a variant classified as likely benign is not then subjected to further curation. The score for this variant resulted in a classification of likely benign for this disease.

Illumina Laboratory Services, Illumina
Classification: Benign for Basal cell nevus syndrome 1. Last evaluated: 2018-01-13. Review status: criteria provided, single submitter. Criteria: ICSL Variant Classification Criteria 13 December 2019. Collection method: clinical testing. Allele origin: germline.
Comment: This variant was observed in the ICSL laboratory as part of a predisposition screen in an ostensibly healthy population. It had not been previously curated by ICSL or reported in the Human Gene Mutation Database (HGMD: prior to June 1st, 2018), and was therefore a candidate for classification through an automated scoring system. Utilizing variant allele frequency, disease prevalence and penetrance estimates, and inheritance mode, an automated score was calculated to assess if this variant is too frequent to cause the disease. Based on the score and internal cut-off values, a variant classified as benign is not then subjected to further curation. The score for this variant resulted in a classification of benign for this disease.

Center for Pediatric Genomic Medicine, Children's Mercy Hospital and Clinics
Classification: Likely benign. Last evaluated: 2017-04-18. Review status: criteria provided, single submitter. Criteria: ACMG Guidelines, 2015. Collection method: clinical testing. Allele origin: germline.

PreventionGenetics, part of Exact Sciences
Classification: Benign. Review status: criteria provided, single submitter. Criteria: ACMG Guidelines, 2015. Collection method: clinical testing. Allele origin: germline.

ITMI
No classification provided. Condition: AllHighlyPenetrant. Last evaluated: 2013-09-19. Review status: no classification provided. Collection method: reference population. Allele origin: germline. Not counted in ClinVar's aggregate classification.
Comment: Please see associated publication for description of ethnicities

Biesecker Lab/Clinical Genomics Section, National Institutes of Health
Classification: Uncertain significance. Last evaluated: 2012-07-13. Review status: no assertion criteria provided. Collection method: research. Allele origin: germline. Affected: no. Observed: 1 variant allele. Study: ClinSeq. Not counted in ClinVar's aggregate classification.
ClinVar note: Converted during submission from variant of unknown significance to Uncertain significance.

Literature cited by the submitters: PubMed 25260786 (cited by Dasa); PubMed 29575684 (cited by Dasa); PubMed 24728327 (cited by ITMI).

NM_000264.5(PTCH1):c.3487G>A (p.Gly1163Ser)

Gene: PTCH1 (patched 1; minus strand). Cytogenetic location: 9q22.32.
Variant type: single nucleotide variant.
Coding change: c.3487G>A on transcript NM_000264.5 (MANE Select); coding-DNA position 3487, G replaced by A.
Protein change: p.Gly1163Ser; replaces glycine 1163 with serine.
Molecular consequence: missense variant. On other transcripts: non-coding transcript variant (1).
Genome position (GRCh38, 1-based): chr9:95,449,903, C>T on the plus strand (G>A on the coding strand, the complement: PTCH1 is on the minus strand). VCF-style: chr9-95449903-C-T. GRCh37 (hg19) VCF-style: chr9-98212185-C-T.
Other names: c.3289G>A, p.Gly1097Ser (NM_001083602.3); c.3484G>A, p.Gly1162Ser (NM_001083603.3); c.3034G>A, p.Gly1012Ser (NM_001083604.3, NM_001083605.3, NM_001083606.3 and 1 more transcripts); c.3331G>A, p.Gly1111Ser (NM_001354918.2); short protein forms G1097S, G1163S, G1162S, G1012S, G1111S.
Identifiers: ClinVar variation 41660 (VCV000041660.61), dbSNP rs113663584, ClinGen allele CA161699.